The following is an entry in ClinVar:

ClinVar aggregate classification (germline): Pathogenic (1 of 4 stars; one submission).

Submission:

GeneDx
Classification: Pathogenic. Last evaluated: 2017-05-02. Review status: criteria provided, single submitter. Criteria: GeneDx Variant Classification (06012015). Collection method: clinical testing. Allele origin: germline. Affected: yes.
Comment: The c.1716_1717delTG pathogenic variant in the JAG1 gene creates a premature Stop codon at position Cysteine 572, denoted p.Cys572Ter. This pathogenic variant is predicted to cause loss of normal protein function either through protein truncation or nonsense-mediated mRNA decay. The c.1716_1717delTG variant was not observed in approximately 6,500 individuals of European and African American ancestry in the NHLBI Exome Sequencing Project, indicating it is not a common benign variant in these populations. Although this pathogenic variant has not been previously reported to our knowledge, its presence is consistent with the diagnosis of Alagille.

NM_000214.3(JAG1):c.1716_1717del (p.Cys572_Glu573delinsTer)

Gene: JAG1 (jagged canonical Notch ligand 1; minus strand). Cytogenetic location: 20p12.2.
Variant type: Microsatellite.
Coding change: c.1716_1717del on transcript NM_000214.3 (MANE Select); coding-DNA positions 1716 to 1717, 2 bases deleted (TG; older notation c.1716_1717delTG).
Protein change: p.Cys572_Glu573delinsTer.
Molecular consequence: nonsense.
Genome position (GRCh38, 1-based): chr20:10,647,963-10,647,964, CA deleted on the plus strand (TG on the coding strand, the reverse complement: JAG1 is on the minus strand); deleting any 2 consecutive bases within chr20:10,647,963-10,647,966 gives the same sequence; the c. name uses the placement nearest the transcript's 3' end. VCF-style (leftmost placement, unchanged base first): chr20-10647962-TCA-T. GRCh37 (hg19) VCF-style: chr20-10628610-TCA-T.
Identifiers: ClinVar variation 234625 (VCV000234625.2), dbSNP rs876661126, ClinGen allele CA10577617.